The following is an entry in ClinVar:

ClinVar aggregate classification (germline): Uncertain significance (1 of 4 stars; one submission).

Conditions:
H syndrome. Also called: FAISALABAD HISTIOCYTOSIS; Asrar Facharzt Haque syndrome; Histiocytosis with joint contractures and sensorineural deafness; Pigmented hypertrichosis and insulin-dependent diabetes mellitus; HISTIOCYTOSIS AND LYMPHADENOPATHY WITH OR WITHOUT CUTANEOUS, CARDIAC, AND/OR ENDOCRINE FEATURES, JOINT CONTRACTURES, AND/OR DEAFNESS; HYPERPIGMENTATION, CUTANEOUS, WITH HYPERTRICHOSIS, HEPATOSPLENOMEGALY, HEART ANOMALIES, AND HYPOGONADISM WITH OR WITHOUT HEARING LOSS. Identifiers: Orphanet 168569, MedGen C1864445, MONDO:0011273, OMIM 602782.

Allele frequency attached by ClinVar (database versions not stated): gnomAD exomes below 0.00001.

Submission:

Labcorp Genetics (formerly Invitae), Labcorp
Classification: Uncertain significance for H syndrome. Last evaluated: 2024-05-21. Review status: criteria provided, single submitter. Criteria: Invitae Variant Classification Sherloc (09022015). Collection method: clinical testing. Allele origin: germline.
Comment: This sequence change replaces leucine, which is neutral and non-polar, with proline, which is neutral and non-polar, at codon 250 of the SLC29A3 protein (p.Leu250Pro). This variant is not present in population databases (gnomAD no frequency). This variant has not been reported in the literature in individuals affected with SLC29A3-related conditions. ClinVar contains an entry for this variant (Variation ID: 2115157). Advanced modeling of protein sequence and biophysical properties (such as structural, functional, and spatial information, amino acid conservation, physicochemical variation, residue mobility, and thermodynamic stability) performed at Invitae indicates that this missense variant is not expected to disrupt SLC29A3 protein function with a negative predictive value of 80%. In summary, the available evidence is currently insufficient to determine the role of this variant in disease. Therefore, it has been classified as a Variant of Uncertain Significance.

NM_018344.6(SLC29A3):c.749T>C (p.Leu250Pro)

Gene: SLC29A3 (solute carrier family 29 member 3; plus strand). Cytogenetic location: 10q22.1.
Variant type: single nucleotide variant.
Coding change: c.749T>C on transcript NM_018344.6 (MANE Select); coding-DNA position 749, T replaced by C.
Protein change: p.Leu250Pro; replaces leucine 250 with proline.
Molecular consequence: missense variant. On other transcripts: non-coding transcript variant (2).
Genome position (GRCh38, 1-based): chr10:71,356,219, T>C. VCF-style: chr10-71356219-T-C. GRCh37 (hg19) VCF-style: chr10-73115976-T-C.
Other names: c.749T>C, p.Leu250Pro (NM_001174098.2); c.515T>C, p.Leu172Pro (NM_001363518.2); short protein forms L172P, L250P.
Identifiers: ClinVar variation 2115157 (VCV002115157.4), dbSNP rs1564540333, ClinGen allele CA377111625.